The following is an entry in ClinVar:

NM_014974.3(DIP2C):c.3109+4_3109+5delinsAG

Gene: DIP2C (DIP2 acetate--CoA ligase C (putative); minus strand). Cytogenetic location: 10p15.3.
Variant type: Indel.
Coding change: c.3109+4_3109+5delinsAG on transcript NM_014974.3 (MANE Select); bases 4 to 5 of the intron after coding-DNA position 3109, CA replaced by AG.
Molecular consequence: intron variant.
Genome position (GRCh38, 1-based): chr10:349,326-349,327, TG replaced by CT on the plus strand (CA replaced by AG on the coding strand, the reverse complement: DIP2C is on the minus strand). VCF-style: chr10-349326-TG-CT. GRCh37 (hg19) VCF-style: chr10-395266-TG-CT.
Identifiers: ClinVar variation 1464483 (VCV001464483.6), dbSNP rs2132632334, ClinGen allele CA2573144949.
Genomic context (GRCh38, chr10:349,326, plus strand): 5'-GACCTCCTCGCACCGCGGCTGACCGGCTTGCCATCTCTCAGGGGAAGCCCACCCTGCGCC[TG>CT]TACCTGGGGGGTAGACCAAGGCCACGTGGTCGCCGTCCTGAAGGTGGCCCCTCTCCATCA-3'

ClinVar aggregate classification (germline): Uncertain significance (1 of 4 stars; one submission).

Submission:

Labcorp Genetics (formerly Invitae), Labcorp
Classification: Uncertain significance. Last evaluated: 2022-07-19. Review status: criteria provided, single submitter. Criteria: Invitae Variant Classification Sherloc (09022015). Collection method: clinical testing. Allele origin: germline.
Comment: In summary, the available evidence is currently insufficient to determine the role of this variant in disease. Therefore, it has been classified as a Variant of Uncertain Significance. Variants that disrupt the consensus splice site are a relatively common cause of aberrant splicing (PMID: 17576681, 9536098). Algorithms developed to predict the effect of sequence changes on RNA splicing suggest that this variant may create or strengthen a splice site. ClinVar contains an entry for this variant (Variation ID: 1464483). This variant has not been reported in the literature in individuals affected with DIP2C-related conditions. Information on the frequency of this variant in the gnomAD database is not available, as this variant may be reported differently in the database. This sequence change falls in intron 25 of the DIP2C gene. It does not directly change the encoded amino acid sequence of the DIP2C protein. It affects a nucleotide within the consensus splice site.

Literature cited by the submitters: PubMed 17576681; PubMed 9536098.